The following is an entry in ClinVar:

ClinVar aggregate classification (germline): Uncertain significance (1 of 4 stars; one submission).

gnomAD v4.1: 80 of 1,613,802 alleles (0.005%); highest among the groups gnomAD compares: African/African-American, 0.08%; no homozygotes.

Submission:

Labcorp Genetics (formerly Invitae), Labcorp
Classification: Uncertain significance. Last evaluated: 2025-01-07. Review status: criteria provided, single submitter. Criteria: Invitae Variant Classification Sherloc (09022015). Collection method: clinical testing. Allele origin: germline.
Comment: This sequence change replaces arginine, which is basic and polar, with cysteine, which is neutral and slightly polar, at codon 2076 of the ZDBF2 protein (p.Arg2076Cys). This variant is present in population databases (rs202059950, gnomAD 0.09%), and has an allele count higher than expected for a pathogenic variant. This variant has not been reported in the literature in individuals affected with ZDBF2-related conditions. An algorithm developed to predict the effect of missense changes on protein structure and function outputs the following: PolyPhen-2: "Benign". The cysteine amino acid residue is found in multiple mammalian species, which suggests that this missense change does not adversely affect protein function. In summary, the available evidence is currently insufficient to determine the role of this variant in disease. Therefore, it has been classified as a Variant of Uncertain Significance.

NM_020923.3(ZDBF2):c.6226C>T (p.Arg2076Cys)

Gene: ZDBF2 (zinc finger DBF-type containing 2; plus strand). Cytogenetic location: 2q33.3.
Variant type: single nucleotide variant.
Coding change: c.6226C>T on transcript NM_020923.3 (MANE Select); coding-DNA position 6226, C replaced by T.
Protein change: p.Arg2076Cys; replaces arginine 2076 with cysteine.
Molecular consequence: missense variant.
Genome position (GRCh38, 1-based): chr2:206,310,754, C>T. VCF-style: chr2-206310754-C-T. GRCh37 (hg19) VCF-style: chr2-207175478-C-T.
Other names: c.6220C>T, p.Arg2074Cys (NM_001285549.2); c.6226C>T, p.Arg2076Cys (NM_001369654.1); short protein forms R2074C, R2076C.
Identifiers: ClinVar variation 3713840 (VCV003713840.2).